The following is an entry in ClinVar:

ClinVar aggregate classification (germline): Likely pathogenic (1 of 4 stars; one submission).

Submission:

CeGaT Center for Human Genetics Tuebingen
Classification: Likely pathogenic. Last evaluated: 2026-09-01. Review status: criteria provided, single submitter. Criteria: CeGaT Center For Human Genetics Tuebingen Variant Classification Criteria Version 2. Collection method: clinical testing. Allele origin: germline. Affected: yes. Observed: 1 variant allele.
Comment: BCL11B: PVS1:Strong, PM2

NM_138576.4(BCL11B):c.1738_1747del (p.Gly580fs)

Gene: BCL11B (BCL11 transcription factor B; minus strand). Cytogenetic location: 14q32.2.
Variant type: Deletion.
Coding change: c.1738_1747del on transcript NM_138576.4 (MANE Select); coding-DNA positions 1738 to 1747, 10 bases deleted (GGGGGCGGCG; older notation c.1738_1747delGGGGGCGGCG).
Protein change: p.Gly580fs; shifts the reading frame from glycine 580.
Molecular consequence: frameshift variant.
Genome position (GRCh38, 1-based): chr14:99,175,089-99,175,098, CGCCGCCCCC deleted on the plus strand (GGGGGCGGCG on the coding strand, the reverse complement: BCL11B is on the minus strand); deleting any 10 consecutive bases within chr14:99,175,089-99,175,101 gives the same sequence; the c. name uses the placement nearest the transcript's 3' end. VCF-style (leftmost placement, unchanged base first): chr14-99175088-GCGCCGCCCCC-G. GRCh37 (hg19) VCF-style: chr14-99641425-GCGCCGCCCCC-G.
Other names: c.1735_1744del, p.Gly579fs (NM_001282237.2); c.1522_1531del, p.Gly508fs (NM_001282238.2); c.1525_1534del, p.Gly509fs (NM_022898.3); short protein forms G508fs, G509fs, G579fs, G580fs.
Identifiers: ClinVar variation 5041666 (VCV005041666.1).